The following is an entry in ClinVar:

ClinVar aggregate classification (germline): Conflicting classifications of pathogenicity. Review status: criteria provided, conflicting classifications (1 of 4 stars). 3 submissions from 3 submitters: Uncertain significance (1); Benign (1). 1 of the submissions does not count toward it. Last evaluated 2019-07-31.

Conditions:
Bronchiectasis with or without elevated sweat chloride 2 (BESC2). Identifiers: Orphanet 60033, MedGen C2751666, MONDO:0013087, OMIM 613021.

Allele frequency attached by ClinVar (database versions not stated): TOPMed 0.00109; gnomAD 0.00122 and 0.00114; gnomAD exomes 0.00180.
gnomAD v4.1: 2,670 of 1,531,786 alleles (0.17%); highest among the groups gnomAD compares: Non-Finnish European, 0.22%; 1 homozygote.

Submissions (3):

GeneDx
Classification: Uncertain significance. Last evaluated: 2019-07-31. Review status: criteria provided, single submitter. Criteria: GeneDx Variant Classification Process June 2021. Collection method: clinical testing. Allele origin: germline. Affected: yes.
Comment: In-silico analysis, which includes splice predictors and evolutionary conservation, is inconclusive as to whether the variant alters gene splicing. In the absence of RNA/functional studies, the actual effect of this sequence change is unknown.; Has not been previously published as pathogenic or benign to our knowledge

Illumina Laboratory Services, Illumina
Classification: Benign for Bronchiectasis with or without elevated sweat chloride 2. Last evaluated: 2017-11-20. Review status: criteria provided, single submitter. Criteria: ICSL Variant Classification Criteria 13 December 2019. Collection method: clinical testing. Allele origin: germline.
Comment: This variant was observed as part of a predisposition screen in an ostensibly healthy population. A literature search was performed for the gene, cDNA change, and amino acid change (where applicable). No publications were found based on this search. Allele frequency data from public databases was too high to be consistent with this variant causing disease. Therefore, this variant is classified as benign.

Gharavi Laboratory, Columbia University
Classification: Uncertain significance. Last evaluated: 2018-09-16. Review status: no assertion criteria provided. Criteria: ACMG Guidelines, 2015. Collection method: research. Allele origin: germline. Affected: yes. Not counted in ClinVar's aggregate classification.

NM_001038.6(SCNN1A):c.-55+2T>C

Genes: LTBR (lymphotoxin beta receptor; plus strand), SCNN1A (sodium channel epithelial 1 subunit alpha; minus strand). Cytogenetic location: 12p13.31.
Variant type: single nucleotide variant.
Coding change: c.-55+2T>C on transcript NM_001038.6 (MANE Select); the canonical splice donor site of the intron after 55 bases upstream of the start codon, T replaced by C.
Molecular consequence: splice donor variant. On other transcripts: 5 prime UTR variant (2), intron variant (1).
Genome position (GRCh38, 1-based): chr12:6,375,503, A>G on the plus strand (T>C on the coding strand, the complement: SCNN1A is on the minus strand). VCF-style: chr12-6375503-A-G. GRCh37 (hg19) VCF-style: chr12-6484669-A-G.
Other names: c.-53A>G (NM_001270987.2, NM_001414309.1); c.16-666T>C (NM_001159575.2).
Identifiers: ClinVar variation 591722 (VCV000591722.10), dbSNP rs772498945, ClinGen allele CA232369476.